The following is an entry in ClinVar:

ClinVar aggregate classification (germline): Uncertain significance (1 of 4 stars; one submission).

Conditions:
Charcot-Marie-Tooth disease dominant intermediate C (CMTDIC). Also called: CHARCOT-MARIE-TOOTH NEUROPATHY, DOMINANT INTERMEDIATE C. Identifiers: Orphanet 100045, MedGen C1842237, MONDO:0012012, OMIM 608323.

Submission:

Labcorp Genetics (formerly Invitae), Labcorp
Classification: Uncertain significance for Charcot-Marie-Tooth disease dominant intermediate C. Last evaluated: 2020-11-15. Review status: criteria provided, single submitter. Criteria: Invitae Variant Classification Sherloc (09022015). Collection method: clinical testing. Allele origin: germline.
Comment: This sequence change replaces glycine with valine at codon 433 of the YARS protein (p.Gly433Val). The glycine residue is highly conserved and there is a moderate physicochemical difference between glycine and valine. This variant is not present in population databases (ExAC no frequency). This variant has not been reported in the literature in individuals with YARS-related conditions. Algorithms developed to predict the effect of missense changes on protein structure and function are either unavailable or do not agree on the potential impact of this missense change (SIFT: "Not Available"; PolyPhen-2: "Probably Damaging"; Align-GVGD: "Not Available"). In summary, the available evidence is currently insufficient to determine the role of this variant in disease. Therefore, it has been classified as a Variant of Uncertain Significance.

NM_003680.4(YARS1):c.1298G>T (p.Gly433Val)

Gene: YARS1 (tyrosyl-tRNA synthetase 1; minus strand). Cytogenetic location: 1p35.1.
Variant type: single nucleotide variant.
Coding change: c.1298G>T on transcript NM_003680.4 (MANE Select); coding-DNA position 1298, G replaced by T.
Protein change: p.Gly433Val; replaces glycine 433 with valine.
Molecular consequence: missense variant.
Genome position (GRCh38, 1-based): chr1:32,780,121, C>A on the plus strand (G>T on the coding strand, the complement: YARS1 is on the minus strand). VCF-style: chr1-32780121-C-A. GRCh37 (hg19) VCF-style: chr1-33245722-C-A.
Other names: short protein forms G433V.
Identifiers: ClinVar variation 1681483 (VCV001681483.6), dbSNP rs2148599873, ClinGen allele CA339681276.